The following is an entry in ClinVar:

NM_152906.7(TANGO2):c.549G>T (p.Ala183=)

Gene: TANGO2 (transport and golgi organization 2 homolog; plus strand). Cytogenetic location: 22q11.21.
Variant type: single nucleotide variant.
Coding change: c.549G>T on transcript NM_152906.7 (MANE Select); coding-DNA position 549, G replaced by T.
Protein change: p.Ala183=; no amino-acid change (alanine 183 retained).
Molecular consequence: synonymous variant. On other transcripts: non-coding transcript variant (3), intron variant (4).
Genome position (GRCh38, 1-based): chr22:20,061,627, G>T. VCF-style: chr22-20061627-G-T. GRCh37 (hg19) VCF-style: chr22-20049150-G-T.
Other names: c.549G>T, p.Ala183= (NM_001283106.3, NM_001283116.3, NM_001283148.3 and 2 more transcripts); c.672G>T, p.Ala224= (NM_001283129.3, NM_001322141.2, NM_001322143.2 and 1 more transcripts); c.363G>T, p.Ala121= (NM_001283179.3, NM_001283186.3, NM_001322163.2 and 3 more transcripts); c.255G>T, p.Ala85= (NM_001283235.3, NM_001322150.2, NM_001322153.2 and 6 more transcripts); c.486G>T, p.Ala162= (NM_001322145.2, NM_001322147.2); c.447G>T, p.Ala149= (NM_001322146.2, NM_001322148.2, NM_001322160.2); c.381-1711G>T (NM_001283199.3); c.575-2915G>T (NM_001283215.3); and 2 more.
Identifiers: ClinVar variation 2652878 (VCV002652878.24), dbSNP rs61737483, ClinGen allele CA513370238.

ClinVar aggregate classification (germline): Likely benign (1 of 4 stars; one submission).

Submission:

CeGaT Center for Human Genetics Tuebingen
Classification: Likely benign. Last evaluated: 2023-01-01. Review status: criteria provided, single submitter. Criteria: CeGaT Center For Human Genetics Tuebingen Variant Classification Criteria Version 2. Collection method: clinical testing. Allele origin: germline. Affected: yes. Observed: 1 variant allele.
Comment: TANGO2: PM2:Supporting, BP4, BP7